The following is an entry in ClinVar:

NM_001035.3(RYR2):c.9144T>C (p.Thr3048=)

Gene: RYR2 (ryanodine receptor 2; plus strand). Cytogenetic location: 1q43.
Variant type: single nucleotide variant.
Coding change: c.9144T>C on transcript NM_001035.3 (MANE Select); coding-DNA position 9144, T replaced by C.
Protein change: p.Thr3048=; no amino-acid change (threonine 3048 retained).
Molecular consequence: synonymous variant.
Genome position (GRCh38, 1-based): chr1:237,700,244, T>C. VCF-style: chr1-237700244-T-C. GRCh37 (hg19) VCF-style: chr1-237863544-T-C.
Identifiers: ClinVar variation 922554 (VCV000922554.3), dbSNP rs775722742, ClinGen allele CA424031227.

ClinVar aggregate classification (germline): Likely benign. Review status: criteria provided, multiple submitters, no conflicts (2 of 4 stars). 2 submissions from 2 submitters: Likely benign (2). Last evaluated 2023-08-14.

Conditions:
Cardiomyopathy (CMYO). Also called: Cardiomyopathies. Identifiers: Orphanet 167848, MedGen C0878544, MONDO:0004994, HP:0001638. Inheritance: Various modes of inheritance.
Catecholaminergic polymorphic ventricular tachycardia (CVPT). Also called: Catecholamine-induced polymorphic ventricular tachycardia. Identifiers: Orphanet 3286, MedGen C5574922, MONDO:0017990.

Submissions (2):

All of Us Research Program, National Institutes of Health
Classification: Likely benign for Catecholaminergic polymorphic ventricular tachycardia. Last evaluated: 2023-08-14. Review status: criteria provided, single submitter. Criteria: ACMG Guidelines, 2015. Collection method: clinical testing. Allele origin: germline. Inheritance: Autosomal dominant inheritance. Observed: 1 variant allele, 1 heterozygote.
Comment: This study involves interpretation of variants in research participants for the purpose of population health screening. Participant phenotype was not available at the time of variant classification. Additional details can be found in publication PMID: 35346344, PMCID: PMC8962531

Color Diagnostics, LLC DBA Color Health
Classification: Likely benign for Cardiomyopathy. Last evaluated: 2019-10-08. Review status: criteria provided, single submitter. Criteria: ACMG Guidelines, 2015. Collection method: clinical testing. Allele origin: germline.